The following is an entry in ClinVar:

NM_001042492.3(NF1):c.1624G>A (p.Ala542Thr)

Gene: NF1 (neurofibromin 1; plus strand). Cytogenetic location: 17q11.2.
Variant type: single nucleotide variant.
Coding change: c.1624G>A on transcript NM_001042492.3 (MANE Select); coding-DNA position 1624, G replaced by A.
Protein change: p.Ala542Thr; replaces alanine 542 with threonine.
Molecular consequence: missense variant.
Genome position (GRCh38, 1-based): chr17:31,219,101, G>A. VCF-style: chr17-31219101-G-A. GRCh37 (hg19) VCF-style: chr17-29546119-G-A.
Other names: c.1624G>A, p.Ala542Thr (NM_000267.4, NM_001128147.3); short protein forms A542T.
Identifiers: ClinVar variation 1776670 (VCV001776670.2), dbSNP rs1242297747, ClinGen allele CA399002089.
Genomic context (GRCh38, chr17:31,219,101, plus strand): 5'-ACAGCAGAATTAATTACAGGGCTCGTCCAACTGGTCCCTCAGTCACACATGCCAGAGATT[G>A]CTCAGGAAGCAATGGAGGTAAGGGGAAAATGAATTCCATGTTCTTGAAGGAAAGATTGTA-3'
Protein context (NP_001035957.1, residues 532-552): LVPQSHMPEI[Ala542Thr]QEAMEALLVL

ClinVar aggregate classification (germline): Uncertain significance (1 of 4 stars; one submission).

Conditions:
Cardiovascular phenotype. Identifiers: MedGen CN230736.
Hereditary cancer-predisposing syndrome. Also called: Neoplastic Syndromes, Hereditary; Tumor predisposition; Hereditary Cancer Syndrome; Hereditary neoplastic syndrome. Identifiers: Orphanet 140162, MedGen C0027672, MeSH D009386, MONDO:0015356.

Submission:

Ambry Genetics
Classification: Uncertain significance for Cardiovascular phenotype; Hereditary cancer-predisposing syndrome. Last evaluated: 2020-12-28. Review status: criteria provided, single submitter. Criteria: Ambry Variant Classification Scheme 2023. Collection method: clinical testing. Allele origin: germline.
Comment: The p.A542T variant (also known as c.1624G>A), located in coding exon 14 of the NF1 gene, results from a G to A substitution at nucleotide position 1624. The alanine at codon 542 is replaced by threonine, an amino acid with similar properties. This amino acid position is well conserved in available vertebrate species. In addition, this alteration is predicted to be tolerated by in silico analysis. Since supporting evidence is limited at this time, the clinical significance of this alteration remains unclear.